The following is an entry in ClinVar:

NM_153006.3(NAGS):c.602A>C (p.Lys201Thr)

Gene: NAGS (N-acetylglutamate synthase; plus strand). Cytogenetic location: 17q21.31.
Variant type: single nucleotide variant.
Coding change: c.602A>C on transcript NM_153006.3 (MANE Select); coding-DNA position 602, A replaced by C.
Protein change: p.Lys201Thr; replaces lysine 201 with threonine.
Molecular consequence: missense variant.
Genome position (GRCh38, 1-based): chr17:44,005,812, A>C. VCF-style: chr17-44005812-A-C. GRCh37 (hg19) VCF-style: chr17-42083180-A-C.
Other names: short protein forms K201T.
Identifiers: ClinVar variation 2103643 (VCV002103643.4), dbSNP rs2509279643, ClinGen allele CA399725098.

ClinVar aggregate classification (germline): Uncertain significance (1 of 4 stars; one submission).

Conditions:
Hyperammonemia, type III (NAGSD). Also called: Hyperammonemia due to N-acetylglutamate synthase deficiency. Identifiers: Orphanet 927, MedGen C0268543, MONDO:0009377, OMIM 237310.

Submission:

Labcorp Genetics (formerly Invitae), Labcorp
Classification: Uncertain significance for Hyperammonemia, type III. Last evaluated: 2022-03-04. Review status: criteria provided, single submitter. Criteria: Invitae Variant Classification Sherloc (09022015). Collection method: clinical testing. Allele origin: germline.
Comment: In summary, the available evidence is currently insufficient to determine the role of this variant in disease. Therefore, it has been classified as a Variant of Uncertain Significance. Algorithms developed to predict the effect of missense changes on protein structure and function output the following: SIFT: "Tolerated"; PolyPhen-2: "Benign"; Align-GVGD: "Class C0". The threonine amino acid residue is found in multiple mammalian species, which suggests that this missense change does not adversely affect protein function. This variant has not been reported in the literature in individuals affected with NAGS-related conditions. This variant is not present in population databases (gnomAD no frequency). This sequence change replaces lysine, which is basic and polar, with threonine, which is neutral and polar, at codon 201 of the NAGS protein (p.Lys201Thr).